The following is an entry in ClinVar:

ClinVar aggregate classification (germline): Uncertain significance (1 of 4 stars; one submission).

Conditions:
3-hydroxyisobutyryl-CoA hydrolase deficiency. Also called: HIBCH DEFICIENCY; METHACRYLIC ACID TOXICITY; METHACRYLIC ACIDURIA; VALINE METABOLIC DEFECT; Reduced circulating 3-hydroxyisobutyryl-CoA hydrolase activity; Deficiency of 3-hydroxyisobutyryl CoA hydrolase. Identifiers: Orphanet 88639, MedGen C0342738, MONDO:0009603, OMIM 250620, HP:6000215.

gnomAD v4.1: 1 of 1,610,460 alleles (0.000062%); highest among the groups gnomAD compares: South Asian, 0.0011%; no homozygotes.

Submission:

Labcorp Genetics (formerly Invitae), Labcorp
Classification: Uncertain significance for 3-hydroxyisobutyryl-CoA hydrolase deficiency. Last evaluated: 2024-06-25. Review status: criteria provided, single submitter. Criteria: Invitae Variant Classification Sherloc (09022015). Collection method: clinical testing. Allele origin: germline.
Comment: This sequence change replaces histidine, which is basic and polar, with glutamine, which is neutral and polar, at codon 140 of the HIBCH protein (p.His140Gln). This variant is not present in population databases (gnomAD no frequency). This variant has not been reported in the literature in individuals affected with HIBCH-related conditions. Advanced modeling of protein sequence and biophysical properties (such as structural, functional, and spatial information, amino acid conservation, physicochemical variation, residue mobility, and thermodynamic stability) performed at Invitae indicates that this missense variant is not expected to disrupt HIBCH protein function with a negative predictive value of 80%. In summary, the available evidence is currently insufficient to determine the role of this variant in disease. Therefore, it has been classified as a Variant of Uncertain Significance.

NM_014362.4(HIBCH):c.420T>A (p.His140Gln)

Gene: HIBCH (3-hydroxyisobutyryl-CoA hydrolase; minus strand). Cytogenetic location: 2q32.2.
Variant type: single nucleotide variant.
Coding change: c.420T>A on transcript NM_014362.4 (MANE Select); coding-DNA position 420, T replaced by A.
Protein change: p.His140Gln; replaces histidine 140 with glutamine.
Molecular consequence: missense variant.
Genome position (GRCh38, 1-based): chr2:190,287,604, A>T on the plus strand (T>A on the coding strand, the complement: HIBCH is on the minus strand). VCF-style: chr2-190287604-A-T. GRCh37 (hg19) VCF-style: chr2-191152330-A-T.
Other names: c.420T>A, p.His140Gln (NM_198047.3); short protein forms H140Q.
Identifiers: ClinVar variation 3639754 (VCV003639754.2).